The following is an entry in ClinVar:

ClinVar aggregate classification (germline): Pathogenic (1 of 4 stars; one submission).

Conditions:
Osteogenesis imperfecta type I (OI1). Also called: OI, TYPE I; OSTEOGENESIS IMPERFECTA TARDA; OSTEOGENESIS IMPERFECTA WITH BLUE SCLERAE; Osteogenesis imperfecta type 1; Lobstein's Disease; Classic Non-deforming Osteogenesis Imperfecta with Blue Sclerae. Identifiers: Orphanet 216796, Orphanet 666, MedGen C0023931, MONDO:0008146, OMIM 166200. Disease mechanism: loss of function.

Submission:

Labcorp Genetics (formerly Invitae), Labcorp
Classification: Pathogenic for Osteogenesis imperfecta type I. Last evaluated: 2025-07-07. Review status: criteria provided, single submitter. Criteria: Invitae Variant Classification Sherloc (09022015). Collection method: clinical testing. Allele origin: germline.
Comment: This sequence change creates a premature translational stop signal (p.Asn1403*) in the COL1A1 gene. While this is not anticipated to result in nonsense mediated decay, it is expected to disrupt the last 62 amino acid(s) of the COL1A1 protein. This variant is not present in population databases (gnomAD no frequency). This variant has not been reported in the literature in individuals affected with COL1A1-related conditions. This variant disrupts a region of the COL1A1 protein in which other variant(s) (p.Thr1431Ile) have been determined to be pathogenic (PMID: 21884818, 26177859). This suggests that this is a clinically significant region of the protein, and that variants that disrupt it are likely to be disease-causing. For these reasons, this variant has been classified as Pathogenic.

Literature cited by the submitters: PubMed 21884818; PubMed 26177859.

NM_000088.4(COL1A1):c.4070_4206dup (p.Asn1403Ter)

Gene: COL1A1 (collagen type I alpha 1 chain; minus strand). Cytogenetic location: 17q21.33.
Variant type: Duplication.
Coding change: c.4070_4206dup on transcript NM_000088.4 (MANE Select); coding-DNA positions 4070 to 4206, 137 bases duplicated.
Protein change: p.Asn1403Ter; replaces asparagine 1403 with a stop codon.
Molecular consequence: nonsense.
Genome position (GRCh38, 1-based): chr17:50,185,820-50,185,956, 137 bases duplicated. GRCh37 (hg19): chr17:48,263,182-48,263,318.
Other names: short protein forms N1403*.
Identifiers: ClinVar variation 2752631 (VCV002752631.3), dbSNP rs2509155514, ClinGen allele CA2697560244.